The following is an entry in ClinVar:

ClinVar aggregate classification (germline): Likely benign (1 of 4 stars; one submission).

gnomAD v4.1: 3,646 of 778,824 alleles (0.47%); highest among the groups gnomAD compares: Non-Finnish European, 0.68%; 24 homozygotes.

Submission:

CeGaT Center for Human Genetics Tuebingen
Classification: Likely benign. Last evaluated: 2025-10-01. Review status: criteria provided, single submitter. Criteria: CeGaT Center For Human Genetics Tuebingen Variant Classification Criteria Version 2. Collection method: clinical testing. Allele origin: germline. Affected: yes. Observed: 1 variant allele.
Comment: FBLN1: BS2

NM_006486.3(FBLN1):c.186-2385G>A

Gene: FBLN1 (fibulin 1; plus strand). Cytogenetic location: 22q13.31.
Variant type: single nucleotide variant.
Coding change: c.186-2385G>A on transcript NM_006486.3 (MANE Select); 2385 bases into the intron before coding-DNA position 186, G replaced by A.
Molecular consequence: intron variant.
Genome position (GRCh38, 1-based): chr22:45,523,158, G>A. VCF-style: chr22-45523158-G-A. GRCh37 (hg19) VCF-style: chr22-45919038-G-A.
Other names: c.186-2385G>A (NM_006485.4, NM_001996.4, NM_006487.3).
Identifiers: ClinVar variation 4533470 (VCV004533470.6).